The following is an entry in ClinVar:

ClinVar aggregate classification (germline): Uncertain significance (1 of 4 stars; one submission).

Allele frequency attached by ClinVar (database versions not stated): gnomAD exomes 0.00001; ExAC 0.00002.
gnomAD v4.1: 10 of 1,613,710 alleles (0.00062%); highest among the groups gnomAD compares: Admixed American, 0.0017%; no homozygotes.

Submission:

Labcorp Genetics (formerly Invitae), Labcorp
Classification: Uncertain significance. Last evaluated: 2023-03-16. Review status: criteria provided, single submitter. Criteria: Invitae Variant Classification Sherloc (09022015). Collection method: clinical testing. Allele origin: germline.
Comment: In summary, the available evidence is currently insufficient to determine the role of this variant in disease. Therefore, it has been classified as a Variant of Uncertain Significance. This sequence change replaces valine, which is neutral and non-polar, with alanine, which is neutral and non-polar, at codon 552 of the ITGAM protein (p.Val552Ala). This variant is present in population databases (rs774754056, gnomAD 0.003%). This variant has not been reported in the literature in individuals affected with ITGAM-related conditions. ClinVar contains an entry for this variant (Variation ID: 1515241). An algorithm developed to predict the effect of missense changes on protein structure and function (PolyPhen-2) suggests that this variant is likely to be disruptive.

NM_000632.4(ITGAM):c.1655T>C (p.Val552Ala)

Gene: ITGAM (integrin subunit alpha M; plus strand). Cytogenetic location: 16p11.2.
Variant type: single nucleotide variant.
Coding change: c.1655T>C on transcript NM_000632.4 (MANE Select); coding-DNA position 1655, T replaced by C.
Protein change: p.Val552Ala; replaces valine 552 with alanine.
Molecular consequence: missense variant.
Genome position (GRCh38, 1-based): chr16:31,297,902, T>C. VCF-style: chr16-31297902-T-C. GRCh37 (hg19) VCF-style: chr16-31309223-T-C.
Other names: c.1658T>C, p.Val553Ala (NM_001145808.2); short protein forms V552A, V553A.
Identifiers: ClinVar variation 1515241 (VCV001515241.8), dbSNP rs774754056, ClinGen allele CA8025619.